The following is an entry in ClinVar:

ClinVar aggregate classification (germline): Uncertain significance. Review status: criteria provided, multiple submitters, no conflicts (2 of 4 stars). 5 submissions from 5 submitters: Uncertain significance (5). Last evaluated 2026-05-24.

Conditions:
HOXB13-related disorder. Also called: HOXB13-related disorders; HOXB13-related condition.
Hereditary cancer-predisposing syndrome. Also called: Neoplastic Syndromes, Hereditary; Hereditary Cancer Syndrome; Tumor predisposition; Hereditary neoplastic syndrome. Identifiers: Orphanet 140162, MedGen C0027672, MeSH D009386, MONDO:0015356.

Allele frequency attached by ClinVar (database versions not stated): gnomAD 0.00006; TOPMed 0.00010; ESP Exome Variant Server 0.00015; 1000 Genomes Project 30x 0.00031; 1000 Genomes Project 0.00040; ExAC 0.00003.

Submissions (5):

PreventionGenetics, part of Exact Sciences
Classification: Uncertain significance for HOXB13-related condition. Last evaluated: 2026-05-24. Review status: criteria provided, single submitter. Criteria: ACMG Guidelines, 2015. Collection method: clinical testing. Allele origin: germline.
Comment: The HOXB13 c.314C>T variant is predicted to result in the amino acid substitution p.Thr105Ile. This variant has been reported in the literature in an individual with breast cancer (Marlin et al. 2020. PubMed ID: 32040869) and in families with prostate cancer (Xu et al. 2012. PubMed ID: 23064873). This variant is reported in 0.032% of alleles in individuals of African descent in gnomAD. This variant is interpreted as uncertain in ClinVar (Variation ID: 822995 ). At this time, the clinical significance of this variant is uncertain due to the absence of conclusive functional and genetic evidence.

Labcorp Genetics (formerly Invitae), Labcorp
Classification: Uncertain significance. Last evaluated: 2025-12-20. Review status: criteria provided, single submitter. Criteria: Invitae Variant Classification Sherloc (09022015). Collection method: clinical testing. Allele origin: germline.
Comment: This sequence change replaces threonine, which is neutral and polar, with isoleucine, which is neutral and non-polar, at codon 105 of the HOXB13 protein (p.Thr105Ile). This variant is present in population databases (rs140492479, gnomAD 0.03%). This missense change has been observed in individual(s) with breast cancer and/or prostate cancer (PMID: 23064873, 32040869). ClinVar contains an entry for this variant (Variation ID: 822995). Invitae Evidence Modeling of protein sequence and biophysical properties (such as structural, functional, and spatial information, amino acid conservation, physicochemical variation, residue mobility, and thermodynamic stability) indicates that this missense variant is not expected to disrupt HOXB13 protein function with a negative predictive value of 80%. In summary, the available evidence is currently insufficient to determine the role of this variant in disease. Therefore, it has been classified as a Variant of Uncertain Significance.

Ambry Genetics
Classification: Uncertain significance for Hereditary cancer-predisposing syndrome. Last evaluated: 2025-10-07. Review status: criteria provided, single submitter. Criteria: Ambry Variant Classification Scheme 2023. Collection method: clinical testing. Allele origin: germline.

GeneDx
Classification: Uncertain significance. Last evaluated: 2023-10-26. Review status: criteria provided, single submitter. Criteria: GeneDx Variant Classification Process June 2021. Collection method: clinical testing. Allele origin: germline. Affected: yes.
Comment: In silico analysis supports that this missense variant does not alter protein structure/function; Observed in individuals with a personal and/or family history of prostate or breast cancer (PMID: 23064873, 32040869, 22841674); This variant is associated with the following publications: (PMID: 28272408, 23064873, 22841674, 32040869)

Quest Diagnostics Nichols Institute San Juan Capistrano
Classification: Uncertain significance. Last evaluated: 2021-12-31. Review status: criteria provided, single submitter. Criteria: Quest Diagnostics criteria. Collection method: clinical testing. Allele origin: unknown.
Comment: In the published literature, this variant has been reported in individuals with breast cancer (PMID: 32040869 (2020)) and prostate cancer (PMID: 23064873 (2013)). The frequency of this variant in the general population, 0.00032 (8/24746 chromosomes in African/African American subpopulation (Genome Aggregation Database)), is higher than would generally be expected for pathogenic variants in this gene. Analysis of this variant using bioinformatics tools for the prediction of the effect of amino acid changes on protein structure and function yielded predictions that this variant is benign. Based on the available information, we are unable to determine the clinical significance of this variant.

Literature cited by the submitters: PubMed 23064873 (cited by Labcorp Genetics (formerly Invitae), Labcorp and Quest Diagnostics Nichols Institute San Juan Capistrano); PubMed 32040869 (cited by Labcorp Genetics (formerly Invitae), Labcorp and Quest Diagnostics Nichols Institute San Juan Capistrano); PubMed 28272408 (cited by Quest Diagnostics Nichols Institute San Juan Capistrano).

NM_006361.6(HOXB13):c.314C>T (p.Thr105Ile)

Gene: HOXB13 (homeobox B13; minus strand). Cytogenetic location: 17q21.32.
Variant type: single nucleotide variant.
Coding change: c.314C>T on transcript NM_006361.6 (MANE Select); coding-DNA position 314, C replaced by T.
Protein change: p.Thr105Ile; replaces threonine 105 with isoleucine.
Molecular consequence: missense variant.
Genome position (GRCh38, 1-based): chr17:48,728,280, G>A on the plus strand (C>T on the coding strand, the complement: HOXB13 is on the minus strand). VCF-style: chr17-48728280-G-A. GRCh37 (hg19) VCF-style: chr17-46805642-G-A.
Other names: short protein forms T105I.
Identifiers: ClinVar variation 822995 (VCV000822995.21), dbSNP rs140492479, ClinGen allele CA8634017.
Genomic context (GRCh38, chr17:48,728,280, plus strand): 5'-GTGGGGCGGCTGGGGTACTCTTCCCCGGCCGTGGGAGTCTCCGCGGGGTACGCGGCCAGG[G>A]TGGCTGCCTGGGCACAGGGTTTCAGCGAGCTCCGGGACACTCGGCAGGAGTAGTACCCGC-3'
Protein context (NP_006352.2, residues 95-115): SSLKPCAQAA[Thr105Ile]LAAYPAETPT